The following is an entry in ClinVar:

ClinVar aggregate classification (germline): Uncertain significance (1 of 4 stars; one submission).

Submission:

Biesecker Lab/Clinical Genomics Section, National Institutes of Health
Classification: Uncertain significance. Last evaluated: 2013-06-24. Review status: criteria provided, single submitter. Criteria: Ng et al. (Circ Cardiovasc Genet. 2013). Collection method: research. Allele origin: unknown. Observed: 1 variant allele. Study: ClinSeq.
Comment: The study set was not selected for affection status in relation to any cancer. Pathogenicity categories were based on literature curation. See Pubmed ID:23861362 for details.

Medical sequencing

NM_003098.3(SNTA1):c.845T>A (p.Leu282Gln)

Gene: SNTA1 (syntrophin alpha 1; minus strand). Cytogenetic location: 20q11.21.
Variant type: single nucleotide variant.
Coding change: c.845T>A on transcript NM_003098.3 (MANE Select); coding-DNA position 845, T replaced by A.
Protein change: p.Leu282Gln; replaces leucine 282 with glutamine.
Molecular consequence: missense variant.
Genome position (GRCh38, 1-based): chr20:33,412,639, A>T on the plus strand (T>A on the coding strand, the complement: SNTA1 is on the minus strand). VCF-style: chr20-33412639-A-T. GRCh37 (hg19) VCF-style: chr20-32000445-A-T.
Other names: short protein forms L282Q.
Identifiers: ClinVar variation 191509 (VCV000191509.1), dbSNP rs200878531, ClinGen allele CA236840.